The following is an entry in ClinVar:

ClinVar aggregate classification (germline): Uncertain significance (1 of 4 stars; one submission).

Conditions:
Hereditary cancer-predisposing syndrome. Also called: Neoplastic Syndromes, Hereditary; Tumor predisposition; Hereditary neoplastic syndrome; Hereditary Cancer Syndrome. Identifiers: Orphanet 140162, MedGen C0027672, MeSH D009386, MONDO:0015356.

Submission:

Ambry Genetics
Classification: Uncertain significance for Hereditary cancer-predisposing syndrome. Last evaluated: 2018-02-20. Review status: criteria provided, single submitter. Criteria: Ambry Variant Classification Scheme 2023. Collection method: clinical testing. Allele origin: germline.
Comment: The p.Q2372E variant (also known as c.7114C>G), located in coding exon 15 of the APC gene, results from a C to G substitution at nucleotide position 7114. The glutamine at codon 2372 is replaced by glutamic acid, an amino acid with highly similar properties. This amino acid position is highly conserved in available vertebrate species. In addition, in silico predictors for this gene do not accurately predict pathogenicity. Since supporting evidence is limited at this time, the clinical significance of this alteration remains unclear.

NM_000038.6(APC):c.7114C>G (p.Gln2372Glu)

Gene: APC (APC regulator of Wnt signaling pathway; plus strand). Cytogenetic location: 5q22.2.
Variant type: single nucleotide variant.
Coding change: c.7114C>G on transcript NM_000038.6 (MANE Select); coding-DNA position 7114, C replaced by G.
Protein change: p.Gln2372Glu; replaces glutamine 2372 with glutamic acid.
Molecular consequence: missense variant.
Genome position (GRCh38, 1-based): chr5:112,842,708, C>G. VCF-style: chr5-112842708-C-G. GRCh37 (hg19) VCF-style: chr5-112178405-C-G.
Other names: c.7114C>G, p.Gln2372Glu (NM_001127510.3, NM_001354895.2); c.7060C>G, p.Gln2354Glu (NM_001127511.3); c.7168C>G, p.Gln2390Glu (NM_001354896.2); c.7144C>G, p.Gln2382Glu (NM_001354897.2); c.7039C>G, p.Gln2347Glu (NM_001354898.2); c.7030C>G, p.Gln2344Glu (NM_001354899.2); c.6991C>G, p.Gln2331Glu (NM_001354900.2); c.6937C>G, p.Gln2313Glu (NM_001354901.2); and 5 more; short protein forms Q2089E, Q2313E, Q2331E, Q2372E, Q2212E, Q2344E, Q2347E, Q2246E.
Identifiers: ClinVar variation 826848 (VCV000826848.4), dbSNP rs1580678722, ClinGen allele CA16036822.